The following is an entry in ClinVar:

ClinVar aggregate classification (germline): Uncertain significance (1 of 4 stars; one submission).

Allele frequency attached by ClinVar (database versions not stated): ExAC 0.00003; gnomAD exomes 0.00006; TOPMed 0.00006; ESP Exome Variant Server 0.00008; gnomAD 0.00011 and 0.00012.
gnomAD v4.1: 72 of 1,611,194 alleles (0.0045%); highest among the groups gnomAD compares: Admixed American, 0.027%; no homozygotes.

Submission:

GeneDx
Classification: Uncertain significance. Last evaluated: 2021-06-22. Review status: criteria provided, single submitter. Criteria: GeneDx Variant Classification Process June 2021. Collection method: clinical testing. Allele origin: germline. Affected: yes.
Comment: In silico analysis supports that this missense variant does not alter protein structure/function; Has not been previously published as pathogenic or benign to our knowledge

NM_133261.3(GIPC3):c.842G>A (p.Arg281His)

Gene: GIPC3 (GIPC PDZ domain containing family member 3; plus strand). Cytogenetic location: 19p13.3.
Variant type: single nucleotide variant.
Coding change: c.842G>A on transcript NM_133261.3 (MANE Select); coding-DNA position 842, G replaced by A.
Protein change: p.Arg281His; replaces arginine 281 with histidine.
Molecular consequence: missense variant.
Genome position (GRCh38, 1-based): chr19:3,590,093, G>A. VCF-style: chr19-3590093-G-A. GRCh37 (hg19) VCF-style: chr19-3590091-G-A.
Other names: short protein forms R281H.
Identifiers: ClinVar variation 1200991 (VCV001200991.3), dbSNP rs371599478, ClinGen allele CA9080614.